The following is an entry in ClinVar:

ClinVar aggregate classification (germline): Uncertain significance (1 of 4 stars; one submission).

Conditions:
Inborn genetic diseases. Identifiers: MedGen C0950123, MeSH D030342.

Allele frequency attached by ClinVar (database versions not stated): gnomAD exomes below 0.00001.
gnomAD v4.1: 1 of 1,613,180 alleles (0.000062%); highest among the groups gnomAD compares: Non-Finnish European, 0.000085%; no homozygotes.

Submission:

Ambry Genetics
Classification: Uncertain significance for Inborn genetic diseases. Last evaluated: 2024-05-10. Review status: criteria provided, single submitter. Criteria: Ambry Variant Classification Scheme 2023. Collection method: clinical testing. Allele origin: germline.
Comment: The p.I1264V variant (also known as c.3790A>G), located in coding exon 28 of the LRRK2 gene, results from an A to G substitution at nucleotide position 3790. The isoleucine at codon 1264 is replaced by valine, an amino acid with highly similar properties. This amino acid position is conserved. In addition, this alteration is predicted to be tolerated by in silico analysis. Since supporting evidence is limited at this time, the clinical significance of this alteration remains unclear.

NM_198578.4(LRRK2):c.3790A>G (p.Ile1264Val)

Gene: LRRK2 (leucine rich repeat kinase 2; plus strand). Cytogenetic location: 12q12.
Variant type: single nucleotide variant.
Coding change: c.3790A>G on transcript NM_198578.4 (MANE Select); coding-DNA position 3790, A replaced by G.
Protein change: p.Ile1264Val; replaces isoleucine 1264 with valine.
Molecular consequence: missense variant.
Genome position (GRCh38, 1-based): chr12:40,305,797, A>G. VCF-style: chr12-40305797-A-G. GRCh37 (hg19) VCF-style: chr12-40699599-A-G.
Other names: short protein forms I1264V.
Identifiers: ClinVar variation 1734948 (VCV001734948.3), dbSNP rs1555186597, ClinGen allele CA384417051.
Genomic context (GRCh38, chr12:40,305,797, plus strand): 5'-ATTTCTTCCTTCCCACCAACAGGTTTTGCCCTTTTTTTTCCCATTAAGATTCCTCCTGAG[A>G]TTGGCTGTCTTGAAAATCTGACATCTCTGGATGTCAGTTACAACTTGGAACTAAGATCCT-3'
Protein context (NP_940980.4, residues 1254-1274): HNKLKEIPPE[Ile1264Val]GCLENLTSLD